The following is an entry in ClinVar:

ClinVar aggregate classification (germline): Uncertain significance. Review status: criteria provided, multiple submitters, no conflicts (2 of 4 stars). 2 submissions from 2 submitters: Uncertain significance (2). Last evaluated 2022-03-31.

Conditions:
Multiple acyl-CoA dehydrogenase deficiency (MADD). Also called: GA II; ETHYLMALONIC-ADIPICACIDURIA; Glutaric Acidemia type 2; Glutaric aciduria, type 2; Glutaric acidemia type II; GA 2. Identifiers: Orphanet 26791, MedGen C0268596, MONDO:0009282, OMIM 231680.

Allele frequency attached by ClinVar (database versions not stated): gnomAD exomes 0.00001 and 0.00002; ExAC 0.00002; gnomAD 0.00003; TOPMed 0.00003.
gnomAD v4.1: 33 of 1,613,912 alleles (0.002%); highest among the groups gnomAD compares: Middle Eastern, 0.066%; 1 homozygote.

Submissions (2):

Labcorp Genetics (formerly Invitae), Labcorp
Classification: Uncertain significance for Multiple acyl-CoA dehydrogenase deficiency. Last evaluated: 2022-03-31. Review status: criteria provided, single submitter. Criteria: Invitae Variant Classification Sherloc (09022015). Collection method: clinical testing. Allele origin: germline.
Comment: This sequence change replaces lysine, which is basic and polar, with glutamic acid, which is acidic and polar, at codon 200 of the ETFB protein (p.Lys200Glu). This variant is present in population databases (no rsID available, gnomAD 0.006%). This variant has not been reported in the literature in individuals affected with ETFB-related conditions. ClinVar contains an entry for this variant (Variation ID: 459960). Algorithms developed to predict the effect of missense changes on protein structure and function (SIFT, PolyPhen-2, Align-GVGD) all suggest that this variant is likely to be disruptive. In summary, the available evidence is currently insufficient to determine the role of this variant in disease. Therefore, it has been classified as a Variant of Uncertain Significance.

Genomic Research Center, Shahid Beheshti University of Medical Sciences
Classification: Uncertain significance for Glutaric aciduria, type 2. Last evaluated: 2018-08-07. Review status: criteria provided, single submitter. Criteria: ACMG Guidelines, 2015. Collection method: clinical testing. Allele origin: inherited. Affected: no. Observed: 1 variant allele.

NM_001985.3(ETFB):c.598A>G (p.Lys200Glu)

Gene: ETFB (electron transfer flavoprotein subunit beta; minus strand). Cytogenetic location: 19q13.41.
Variant type: single nucleotide variant.
Coding change: c.598A>G on transcript NM_001985.3 (MANE Select); coding-DNA position 598, A replaced by G.
Protein change: p.Lys200Glu; replaces lysine 200 with glutamic acid.
Molecular consequence: missense variant.
Genome position (GRCh38, 1-based): chr19:51,345,381, T>C on the plus strand (A>G on the coding strand, the complement: ETFB is on the minus strand). VCF-style: chr19-51345381-T-C. GRCh37 (hg19) VCF-style: chr19-51848635-T-C.
Other names: c.871A>G, p.Lys291Glu (NM_001014763.1); short protein forms K200E, K291E.
Identifiers: ClinVar variation 459960 (VCV000459960.9), dbSNP rs920672041, ClinGen allele CA9610699.